The following is an entry in ClinVar:

ClinVar aggregate classification (germline): Pathogenic (1 of 4 stars; one submission).

Conditions:
Carnitine palmitoyltransferase II deficiency. Also called: Carnitine Palmitoyltransferase 2 Deficiency. Identifiers: Orphanet 157, MedGen C0342790, MONDO:0015515.

Submission:

Labcorp Genetics (formerly Invitae), Labcorp
Classification: Pathogenic for Carnitine palmitoyltransferase II deficiency. Last evaluated: 2023-11-13. Review status: criteria provided, single submitter. Criteria: Invitae Variant Classification Sherloc (09022015). Collection method: clinical testing. Allele origin: germline.
Comment: This sequence change creates a premature translational stop signal (p.Val322Cysfs*6) in the CPT2 gene. It is expected to result in an absent or disrupted protein product. Loss-of-function variants in CPT2 are known to be pathogenic (PMID: 16781677, 16996287). This variant is not present in population databases (gnomAD no frequency). This variant has not been reported in the literature in individuals affected with CPT2-related conditions. For these reasons, this variant has been classified as Pathogenic.

Literature cited by the submitters: PubMed 16781677; PubMed 16996287.

NM_000098.3(CPT2):c.963del (p.Val322fs)

Gene: CPT2 (carnitine palmitoyltransferase 2; plus strand). Cytogenetic location: 1p32.3.
Variant type: Deletion.
Coding change: c.963del on transcript NM_000098.3 (MANE Select); coding-DNA position 963, one base deleted (A; older notation c.963delA).
Protein change: p.Val322fs; shifts the reading frame from valine 322.
Molecular consequence: frameshift variant.
Genome position (GRCh38, 1-based): chr1:53,210,637, A deleted. VCF-style (leftmost placement, unchanged base first): chr1-53210636-CA-C. GRCh37 (hg19) VCF-style: chr1-53676308-CA-C.
Other names: c.963del, p.Val322fs (NM_001330589.2); short protein forms V322fs.
Identifiers: ClinVar variation 2693653 (VCV002693653.3), dbSNP rs2525588808, ClinGen allele CA2697552429.